The following is an entry in ClinVar:

NM_024675.4(PALB2):c.991G>T (p.Glu331Ter)

Gene: PALB2 (partner and localizer of BRCA2; minus strand). Cytogenetic location: 16p12.2.
Variant type: single nucleotide variant.
Coding change: c.991G>T on transcript NM_024675.4 (MANE Select); coding-DNA position 991, G replaced by T.
Protein change: p.Glu331Ter; replaces glutamic acid 331 with a stop codon.
Molecular consequence: nonsense. On other transcripts: intron variant (3).
Genome position (GRCh38, 1-based): chr16:23,635,555, C>A on the plus strand (G>T on the coding strand, the complement: PALB2 is on the minus strand). VCF-style: chr16-23635555-C-A. GRCh37 (hg19) VCF-style: chr16-23646876-C-A.
Other names: c.106G>T, p.Glu36Ter (NM_001407308.1, NM_001407311.1, NM_001407309.1 and 5 more transcripts); c.48+5555G>T (NM_001407314.1); c.-104-5086G>T (NM_001407313.1, NM_001407312.1); c.931G>T, p.Glu311Ter (NM_001407296.1); c.991G>T, p.Glu331Ter (NM_001407297.1, NM_001407298.1, NM_001407299.1 and 3 more transcripts); short protein forms E311*, E331*, E36*.
Identifiers: ClinVar variation 2583217 (VCV002583217.5), dbSNP rs878855126, ClinGen allele CA395134714.

ClinVar aggregate classification (germline): Pathogenic. Review status: criteria provided, multiple submitters, no conflicts (2 of 4 stars). 2 submissions from 2 submitters: Pathogenic (2). Last evaluated 2025-05-19.

Conditions:
Familial cancer of breast. Also called: Hereditary breast cancer; BREAST CANCER, FAMILIAL; hereditary breast carcinoma. Identifiers: Orphanet 227535, MedGen C0346153, MONDO:0016419, OMIM 114480. Disease mechanism: loss of function.

Submissions (2):

Labcorp Genetics (formerly Invitae), Labcorp
Classification: Pathogenic for Familial cancer of breast. Last evaluated: 2025-05-19. Review status: criteria provided, single submitter. Criteria: Invitae Variant Classification Sherloc (09022015). Collection method: clinical testing. Allele origin: germline.
Comment: This sequence change creates a premature translational stop signal (p.Glu331*) in the PALB2 gene. It is expected to result in an absent or disrupted protein product. Loss-of-function variants in PALB2 are known to be pathogenic (PMID: 17200668, 17200671, 17200672, 24136930, 25099575). This variant is not present in population databases (gnomAD no frequency). This variant has not been reported in the literature in individuals affected with PALB2-related conditions. ClinVar contains an entry for this variant (Variation ID: 2583217). For these reasons, this variant has been classified as Pathogenic.

Myriad Genetics, Inc.
Classification: Pathogenic for Familial cancer of breast. Last evaluated: 2023-06-29. Review status: criteria provided, single submitter. Criteria: Myriad Autosomal Dominant, Autosomal Recessive and X-Linked Classification Criteria (2023). Collection method: clinical testing. Allele origin: unknown.
Comment: This variant is considered pathogenic. This variant creates a termination codon and is predicted to result in premature protein truncation.

Literature cited by the submitters: PubMed 17200668 (cited by Labcorp Genetics (formerly Invitae), Labcorp); PubMed 17200671 (cited by Labcorp Genetics (formerly Invitae), Labcorp); PubMed 17200672 (cited by Labcorp Genetics (formerly Invitae), Labcorp); PubMed 24136930 (cited by Labcorp Genetics (formerly Invitae), Labcorp); PubMed 25099575 (cited by Labcorp Genetics (formerly Invitae), Labcorp).